The following is an entry in ClinVar:

ClinVar aggregate classification (germline): Uncertain significance (1 of 4 stars; one submission).

Conditions:
Hereditary cancer-predisposing syndrome. Also called: Tumor predisposition; Hereditary neoplastic syndrome; Hereditary Cancer Syndrome; Neoplastic Syndromes, Hereditary. Identifiers: Orphanet 140162, MedGen C0027672, MeSH D009386, MONDO:0015356.

Submission:

Ambry Genetics
Classification: Uncertain significance for Hereditary cancer-predisposing syndrome. Last evaluated: 2025-04-30. Review status: criteria provided, single submitter. Criteria: Ambry Variant Classification Scheme 2023. Collection method: clinical testing. Allele origin: germline.
Comment: The c.1789C>A variant (also known as p.R597R), located in coding exon 12 of the PDGFRA gene, results from a C to A substitution at nucleotide position 1789. This nucleotide substitution does not change the amino acid at codon 597. This nucleotide position is highly conserved in available vertebrate species. In silico splice site analysis predicts that this alteration may result in the creation or strengthening of a novel splice donor site. Based on the available evidence, the clinical significance of this variant remains unclear.

NM_006206.6(PDGFRA):c.1789C>A (p.Arg597=)

Gene: PDGFRA (platelet derived growth factor receptor alpha; plus strand). Cytogenetic location: 4q12.
Variant type: single nucleotide variant.
Coding change: c.1789C>A on transcript NM_006206.6 (MANE Select); coding-DNA position 1789, C replaced by A.
Protein change: p.Arg597=; no amino-acid change (arginine 597 retained).
Molecular consequence: synonymous variant.
Genome position (GRCh38, 1-based): chr4:54,277,390, C>A. VCF-style: chr4-54277390-C-A. GRCh37 (hg19) VCF-style: chr4-55143557-C-A.
Other names: c.1789C>A, p.Arg597= (NM_001347827.2, NM_001347829.2); c.1864C>A, p.Arg622= (NM_001347828.2); c.1828C>A, p.Arg610= (NM_001347830.2).
Identifiers: ClinVar variation 3930199 (VCV003930199.1).